The following is an entry in ClinVar:

ClinVar aggregate classification (germline): Uncertain significance. Review status: criteria provided, multiple submitters, no conflicts (2 of 4 stars). 2 submissions from 2 submitters: Uncertain significance (2). Last evaluated 2025-11-03.

Conditions:
Inborn genetic diseases. Identifiers: MedGen C0950123, MeSH D030342.

gnomAD v4.1: 29 of 1,599,044 alleles (0.0018%); highest among the groups gnomAD compares: Non-Finnish European, 0.0025%; no homozygotes.

Submissions (2):

Ambry Genetics
Classification: Uncertain significance for Inborn genetic diseases. Last evaluated: 2025-11-03. Review status: criteria provided, single submitter. Criteria: Ambry Variant Classification Scheme 2023. Collection method: clinical testing. Allele origin: germline.

GeneDx
Classification: Uncertain significance. Last evaluated: 2023-06-23. Review status: criteria provided, single submitter. Criteria: GeneDx Variant Classification Process June 2021. Collection method: clinical testing. Allele origin: germline. Affected: yes.
Comment: Not observed at significant frequency in large population cohorts (gnomAD); In silico analysis supports that this missense variant has a deleterious effect on protein structure/function; Has not been previously published as pathogenic or benign to our knowledge

NM_001009944.3(PKD1):c.8629C>T (p.Pro2877Ser)

Gene: PKD1 (polycystin 1, transient receptor potential channel interacting; minus strand). Cytogenetic location: 16p13.3.
Variant type: single nucleotide variant.
Coding change: c.8629C>T on transcript NM_001009944.3 (MANE Select); coding-DNA position 8629, C replaced by T.
Protein change: p.Pro2877Ser; replaces proline 2877 with serine.
Molecular consequence: missense variant.
Genome position (GRCh38, 1-based): chr16:2,103,428, G>A on the plus strand (C>T on the coding strand, the complement: PKD1 is on the minus strand). VCF-style: chr16-2103428-G-A. GRCh37 (hg19) VCF-style: chr16-2153429-G-A.
Other names: c.8629C>T, p.Pro2877Ser (NM_000296.4); c.8629C>T (NM_000296.3); short protein forms P2877S.
Identifiers: ClinVar variation 3360154 (VCV003360154.2).